The following is an entry in ClinVar:

ClinVar aggregate classification (germline): Uncertain significance (1 of 4 stars; one submission).

Submission:

GeneDx
Classification: Uncertain significance. Last evaluated: 2025-04-08. Review status: criteria provided, single submitter. Criteria: GeneDx Variant Classification Process June 2021. Collection method: clinical testing. Allele origin: germline. Affected: yes.
Comment: Not observed at significant frequency in large population cohorts (gnomAD); In silico analysis indicates that this missense variant does not alter protein structure/function; Has not been previously published as pathogenic or benign to our knowledge

NM_002778.4(PSAP):c.386G>C (p.Gly129Ala)

Gene: PSAP (prosaposin; minus strand). Cytogenetic location: 10q22.1.
Variant type: single nucleotide variant.
Coding change: c.386G>C on transcript NM_002778.4 (MANE Select); coding-DNA position 386, G replaced by C.
Protein change: p.Gly129Ala; replaces glycine 129 with alanine.
Molecular consequence: missense variant.
Genome position (GRCh38, 1-based): chr10:71,829,067, C>G on the plus strand (G>C on the coding strand, the complement: PSAP is on the minus strand). VCF-style: chr10-71829067-C-G. GRCh37 (hg19) VCF-style: chr10-73588824-C-G.
Other names: c.386G>C, p.Gly129Ala (NM_001042465.3, NM_001042466.3); short protein forms G129A.
Identifiers: ClinVar variation 4281825 (VCV004281825.1).
Genomic context (GRCh38, chr10:71,829,067, plus strand): 5'-TTCAGCTCTGCTAGGTGCTTCTGGAGAGACTCGCAGAGGTTGAGAGCAGAGCACACCTCC[C>G]CAGGACGGCTCTGGTGGGATGGAAAGAAGTCCTGCTGAAAATCCTCTCCCCAGGGGAAAA-3'
Protein context (NP_002769.1, residues 119-139): DIIKGEMSRP[Gly129Ala]EVCSALNLCE